The following is an entry in ClinVar:

NM_001077525.3(MTMR14):c.28_33del (p.Ala10_Ala11del)

Gene: MTMR14 (myotubularin related protein 14; plus strand). Cytogenetic location: 3p25.3.
Variant type: Deletion.
Coding change: c.28_33del on transcript NM_001077525.3 (MANE Select); coding-DNA positions 28 to 33, 6 bases deleted (GCTGCC; older notation c.28_33delGCTGCC).
Protein change: p.Ala10_Ala11del.
Molecular consequence: inframe deletion. On other transcripts: 5 prime UTR variant (23), non-coding transcript variant (9).
Genome position (GRCh38, 1-based): chr3:9,649,611-9,649,616, GCTGCC deleted; deleting any 6 consecutive bases within chr3:9,649,608-9,649,616 gives the same sequence; the c. name uses the placement nearest the transcript's 3' end. VCF-style (leftmost placement, unchanged base first): chr3-9649607-CGCCGCT-C. GRCh37 (hg19) VCF-style: chr3-9691291-CGCCGCT-C.
Other names: c.28_33del, p.Ala10_Ala11del (NM_001077526.3, NM_001400519.1, NM_001400520.1 and 9 more transcripts); c.-106_-101del (NM_001400518.1, NM_001400521.1, NM_001400525.1 and 4 more transcripts); c.-478_-473del (NM_001400533.1, NM_001400539.1, NM_001400545.1); c.-539_-534del (NM_001400534.1, NM_001400538.1, NM_001400541.1 and 2 more transcripts); c.-329_-324del (NM_001400535.1); c.-506_-501del (NM_001400540.1); c.-741_-736del (NM_001400542.1); c.-300_-295del (NM_001400543.1); and 4 more.
Identifiers: ClinVar variation 2784910 (VCV002784910.3), dbSNP rs2470067382, ClinGen allele CA2577498854.

ClinVar aggregate classification (germline): Uncertain significance (1 of 4 stars; one submission).

Submission:

Labcorp Genetics (formerly Invitae), Labcorp
Classification: Uncertain significance. Last evaluated: 2024-03-13. Review status: criteria provided, single submitter. Criteria: Invitae Variant Classification Sherloc (09022015). Collection method: clinical testing. Allele origin: germline.
Comment: This variant, c.28_33del, results in the deletion of 2 amino acid(s) of the MTMR14 protein (p.Ala10_Ala11del), but otherwise preserves the integrity of the reading frame. This variant is not present in population databases (gnomAD no frequency). This variant has not been reported in the literature in individuals affected with MTMR14-related conditions. Experimental studies and prediction algorithms are not available or were not evaluated, and the functional significance of this variant is currently unknown. In summary, the available evidence is currently insufficient to determine the role of this variant in disease. Therefore, it has been classified as a Variant of Uncertain Significance.